The following is an entry in ClinVar:

ClinVar aggregate classification (germline): Uncertain significance (1 of 4 stars; one submission).

Conditions:
Juvenile polyposis syndrome (JPS). Identifiers: Orphanet 2929, MedGen C0345893, MONDO:0017380, OMIM 174900.

Submission:

Labcorp Genetics (formerly Invitae), Labcorp
Classification: Uncertain significance for Juvenile polyposis syndrome. Last evaluated: 2021-04-09. Review status: criteria provided, single submitter. Criteria: Invitae Variant Classification Sherloc (09022015). Collection method: clinical testing. Allele origin: germline.
Comment: In summary, the available evidence is currently insufficient to determine the role of this variant in disease. Therefore, it has been classified as a Variant of Uncertain Significance. Advanced modeling of protein sequence and biophysical properties (such as structural, functional, and spatial information, amino acid conservation, physicochemical variation, residue mobility, and thermodynamic stability) performed at Invitae indicates that this missense variant is expected to disrupt SMAD4 protein function. This variant has not been reported in the literature in individuals with SMAD4-related conditions. This variant is not present in population databases (ExAC no frequency). This sequence change replaces phenylalanine with tyrosine at codon 35 of the SMAD4 protein (p.Phe35Tyr). The phenylalanine residue is highly conserved and there is a small physicochemical difference between phenylalanine and tyrosine.

NM_005359.6(SMAD4):c.104T>A (p.Phe35Tyr)

Gene: SMAD4 (SMAD family member 4; plus strand). Cytogenetic location: 18q21.2.
Variant type: single nucleotide variant.
Coding change: c.104T>A on transcript NM_005359.6 (MANE Select); coding-DNA position 104, T replaced by A.
Protein change: p.Phe35Tyr; replaces phenylalanine 35 with tyrosine.
Molecular consequence: missense variant.
Genome position (GRCh38, 1-based): chr18:51,047,150, T>A. VCF-style: chr18-51047150-T-A. GRCh37 (hg19) VCF-style: chr18-48573520-T-A.
Other names: short protein forms F35Y.
Identifiers: ClinVar variation 1420244 (VCV001420244.8), dbSNP rs786202127, ClinGen allele CA402457648.
Genomic context (GRCh38, chr18:51,047,150, plus strand): 5'-CCTGTCTGAGCATTGTGCATAGTTTGATGTGCCATAGACAAGGTGGAGAGAGTGAAACAT[T>A]TGCAAAAAGAGCAATTGAAAGTTTGGTAAAGAAGCTGAAGGAGAAAAAAGATGAATTGGA-3'
Protein context (NP_005350.1, residues 25-45): CHRQGGESET[Phe35Tyr]AKRAIESLVK